The following is an entry in ClinVar:

ClinVar aggregate classification (germline): Pathogenic/Likely pathogenic. Review status: criteria provided, multiple submitters, no conflicts (2 of 4 stars). 3 submissions from 3 submitters: Pathogenic (1); Likely pathogenic (2). Last evaluated 2026-01-26.

Conditions:
Familial thoracic aortic aneurysm and aortic dissection (TAAD). Also called: Thoracic aortic aneurysms and dissections. Identifiers: Orphanet 91387, MedGen C4707243, MONDO:0019625.
Marfan syndrome (MFS). Also called: FBN1-Related Marfan Syndrome; Marfan syndrome type 1; Marfan's syndrome; Marfan syndrome, classic; MARFAN SYNDROME, TYPE I. Identifiers: Orphanet 284963, Orphanet 558, MedGen C0024796, MONDO:0007947, OMIM 154700.
FBN1-related disorder. Also called: FBN1-related disorders.

Submissions (3):

Medical and Scientific Branch, Hong Kong Genome Institute
Classification: Likely pathogenic for Marfan syndrome. Last evaluated: 2026-01-26. Review status: criteria provided, single submitter. Criteria: ACMG Guidelines, 2015. Collection method: clinical testing. Allele origin: de novo. Affected: yes.

PreventionGenetics, part of Exact Sciences
Classification: Pathogenic for FBN1-related condition. Last evaluated: 2023-04-12. Review status: criteria provided, single submitter. Criteria: ACMG Guidelines, 2015. Collection method: clinical testing. Allele origin: germline.
Comment: The FBN1 c.1098G>C variant is predicted to result in the amino acid substitution p.Trp366Cys. This variant was reported in an individual from an aortopathy cohort (Yang et al. 2016. PubMed ID: 27611364). A different nucleotide change resulting in the same amino acid substitution, c.1098G>T (p.Trp366Cys), has been reported in multiple individuals with Marfan syndrome (Fang et al. 2017. PubMed ID: 28855619; Table S1A, Meester et al. 2022. PubMed ID: 35058154). Other different nucleotide substitutions affecting the same amino acid (p.Trp366Ser and p.Trp366Leu) have also been reported in individuals with Marfan syndrome (Table S1, Aalberts et al. 2014. PubMed ID: 24161884; Table S1, Becerra-Muñoz et al. 2018. PubMed ID: 29357934). Missense variants that create or destroy a cysteine residue in FBN1 are commonly documented to cause Marfan syndrome. This variant has not been reported in a large population database, indicating this variant is rare. This variant is interpreted as pathogenic.

Labcorp Genetics (formerly Invitae), Labcorp
Classification: Likely pathogenic for Marfan syndrome; Familial thoracic aortic aneurysm and aortic dissection. Last evaluated: 2021-08-31. Review status: criteria provided, single submitter. Criteria: Invitae Variant Classification Sherloc (09022015). Collection method: clinical testing. Allele origin: germline.

NM_000138.5(FBN1):c.1098G>C (p.Trp366Cys)

Genes: FBN1 (fibrillin 1; minus strand), LOC113939944 (Sharpr-MPRA regulatory region 9539; plus strand). Cytogenetic location: 15q21.1.
Variant type: single nucleotide variant.
Coding change: c.1098G>C on transcript NM_000138.5 (MANE Select); coding-DNA position 1098, G replaced by C.
Protein change: p.Trp366Cys; replaces tryptophan 366 with cysteine.
Molecular consequence: missense variant.
Genome position (GRCh38, 1-based): chr15:48,520,708, C>G on the plus strand (G>C on the coding strand, the complement: FBN1 is on the minus strand). VCF-style: chr15-48520708-C-G. GRCh37 (hg19) VCF-style: chr15-48812905-C-G.
Other names: short protein forms W366C.
Identifiers: ClinVar variation 647600 (VCV000647600.6), dbSNP rs1555400595, ClinGen allele CA392347353.